The following is an entry in ClinVar:

ClinVar aggregate classification (germline): Uncertain significance (1 of 4 stars; one submission).

Conditions:
Cardiovascular phenotype. Identifiers: MedGen CN230736.

Submission:

Ambry Genetics
Classification: Uncertain significance for Cardiovascular phenotype. Last evaluated: 2026-03-23. Review status: criteria provided, single submitter. Criteria: Ambry Variant Classification Scheme 2023. Collection method: clinical testing. Allele origin: germline.
Comment: The p.C163S variant (also known as c.488G>C), located in coding exon 5 of the PRDM5 gene, results from a G to C substitution at nucleotide position 488. The cysteine at codon 163 is replaced by serine, an amino acid with dissimilar properties. This amino acid position is conserved. In addition, this alteration is predicted to be tolerated by in silico analysis. Based on the available evidence, the clinical significance of this variant remains unclear.

NM_018699.4(PRDM5):c.488G>C (p.Cys163Ser)

Gene: PRDM5 (PR/SET domain 5; minus strand). Cytogenetic location: 4q27.
Variant type: single nucleotide variant.
Coding change: c.488G>C on transcript NM_018699.4 (MANE Select); coding-DNA position 488, G replaced by C.
Protein change: p.Cys163Ser; replaces cysteine 163 with serine.
Molecular consequence: missense variant.
Genome position (GRCh38, 1-based): chr4:120,818,515, C>G on the plus strand (G>C on the coding strand, the complement: PRDM5 is on the minus strand). VCF-style: chr4-120818515-C-G. GRCh37 (hg19) VCF-style: chr4-121739670-C-G.
Other names: c.488G>C, p.Cys163Ser (NM_001300823.2, NM_001300824.2, NM_001379104.1 and 1 more transcripts); short protein forms C163S.
Identifiers: ClinVar variation 4862481 (VCV004862481.1).